The following is an entry in ClinVar:

ClinVar aggregate classification (germline): Likely benign. Review status: criteria provided, multiple submitters, no conflicts (2 of 4 stars). 2 submissions from 2 submitters: Likely benign (2). Last evaluated 2025-09-17.

Conditions:
Cranioectodermal dysplasia 1 (CED1). Also called: LEVIN SYNDROME I. Identifiers: Orphanet 1515, MedGen C0432235, MONDO:0021093, OMIM 218330.
IFT122-related disorder. Also called: IFT122-related condition.

Allele frequency attached by ClinVar (database versions not stated): gnomAD exomes 0.00004 and 0.00014; ExAC 0.00017; 1000 Genomes Project 30x 0.00031; 1000 Genomes Project 0.00040; gnomAD 0.00042 and 0.00044; TOPMed 0.00062; ESP Exome Variant Server 0.00069.
gnomAD v4.1: 123 of 1,613,852 alleles (0.0076%); highest among the groups gnomAD compares: African/African-American, 0.15%; no homozygotes.

Submissions (2):

Labcorp Genetics (formerly Invitae), Labcorp
Classification: Likely benign for Cranioectodermal dysplasia 1. Last evaluated: 2025-09-17. Review status: criteria provided, single submitter. Criteria: Invitae Variant Classification Sherloc (09022015). Collection method: clinical testing. Allele origin: germline.

PreventionGenetics, part of Exact Sciences
Classification: Likely benign for IFT122-related condition. Last evaluated: 2025-04-04. Review status: criteria provided, single submitter. Criteria: ACMG Guidelines, 2015. Collection method: clinical testing. Allele origin: germline.
Comment: This variant is classified as likely benign based on ACMG/AMP sequence variant interpretation guidelines (Richards et al. 2015 PMID: 25741868, with internal and published modifications).

NM_052989.3(IFT122):c.2908C>T (p.Arg970Cys)

Gene: IFT122 (intraflagellar transport 122; plus strand). Cytogenetic location: 3q22.1.
Variant type: single nucleotide variant.
Coding change: c.2908C>T on transcript NM_052989.3 (MANE Select); coding-DNA position 2908, C replaced by T.
Protein change: p.Arg970Cys; replaces arginine 970 with cysteine.
Molecular consequence: missense variant.
Genome position (GRCh38, 1-based): chr3:129,512,333, C>T. VCF-style: chr3-129512333-C-T. GRCh37 (hg19) VCF-style: chr3-129231176-C-T.
Other names: c.2887C>T, p.Arg963Cys (NM_001280541.2); c.2458C>T, p.Arg820Cys (NM_001280545.2); c.2281C>T, p.Arg761Cys (NM_001280546.2); c.2731C>T, p.Arg911Cys (NM_018262.4); c.3061C>T, p.Arg1021Cys (NM_052985.4); c.2578C>T, p.Arg860Cys (NM_052990.3); c.3061C>T (NM_052985.3); short protein forms R761C, R860C, R911C, R1021C, R963C, R970C, R820C.
Identifiers: ClinVar variation 1484440 (VCV001484440.9), dbSNP rs145470016, ClinGen allele CA2606700.